The following is an entry in ClinVar:

ClinVar aggregate classification (germline): Likely benign. Review status: criteria provided, multiple submitters, no conflicts (2 of 4 stars). 3 submissions from 3 submitters: Likely benign (3). Last evaluated 2024-03-01.

Conditions:
Hereditary cancer-predisposing syndrome. Also called: Neoplastic Syndromes, Hereditary; Hereditary neoplastic syndrome; Tumor predisposition; Hereditary Cancer Syndrome. Identifiers: Orphanet 140162, MedGen C0027672, MeSH D009386, MONDO:0015356.
Neuroblastoma, susceptibility to, 3. Also called: ALK-Related Neuroblastic Tumor Susceptibility. Identifiers: Orphanet 635, MedGen C2751681, MONDO:0013083, OMIM 613014.

Submissions (3):

CeGaT Center for Human Genetics Tuebingen
Classification: Likely benign. Last evaluated: 2024-03-01. Review status: criteria provided, single submitter. Criteria: CeGaT Center For Human Genetics Tuebingen Variant Classification Criteria Version 2. Collection method: clinical testing. Allele origin: germline. Affected: yes. Observed: 1 variant allele.
Comment: ALK: PM2:Supporting, BP4, BP7

Ambry Genetics
Classification: Likely benign for Hereditary cancer-predisposing syndrome. Last evaluated: 2022-04-23. Review status: criteria provided, single submitter. Criteria: Ambry Variant Classification Scheme 2023. Collection method: clinical testing. Allele origin: germline.

Labcorp Genetics (formerly Invitae), Labcorp
Classification: Likely benign for Neuroblastoma, susceptibility to, 3. Last evaluated: 2021-01-03. Review status: criteria provided, single submitter. Criteria: Invitae Variant Classification Sherloc (09022015). Collection method: clinical testing. Allele origin: germline.

NM_004304.5(ALK):c.651C>T (p.Phe217=)

Gene: ALK (ALK receptor tyrosine kinase; minus strand). Cytogenetic location: 2p23.1.
Variant type: single nucleotide variant.
Coding change: c.651C>T on transcript NM_004304.5 (MANE Select); coding-DNA position 651, C replaced by T.
Protein change: p.Phe217=; no amino-acid change (phenylalanine 217 retained).
Molecular consequence: synonymous variant.
Genome position (GRCh38, 1-based): chr2:29,920,009, G>A on the plus strand (C>T on the coding strand, the complement: ALK is on the minus strand). VCF-style: chr2-29920009-G-A. GRCh37 (hg19) VCF-style: chr2-30142875-G-A.
Identifiers: ClinVar variation 1573654 (VCV001573654.31), dbSNP rs2148442816, ClinGen allele CA425524635.